The following is an entry in ClinVar:

NM_018060.4(IARS2):c.300A>G (p.Gln100=)

Gene: IARS2 (isoleucyl-tRNA synthetase 2, mitochondrial; plus strand). Cytogenetic location: 1q41.
Variant type: single nucleotide variant.
Coding change: c.300A>G on transcript NM_018060.4 (MANE Select); coding-DNA position 300, A replaced by G.
Protein change: p.Gln100=; no amino-acid change (glutamine 100 retained).
Molecular consequence: synonymous variant.
Genome position (GRCh38, 1-based): chr1:220,096,136, A>G. VCF-style: chr1-220096136-A-G. GRCh37 (hg19) VCF-style: chr1-220269478-A-G.
Identifiers: ClinVar variation 515886 (VCV000515886.1), dbSNP rs1553267547, ClinGen allele CA423150435.

ClinVar aggregate classification (germline): Likely benign (1 of 4 stars; one submission).

Submission:

GeneDx
Classification: Likely benign. Last evaluated: 2018-03-08. Review status: criteria provided, single submitter. Criteria: GeneDx Variant Classification (06012015). Collection method: clinical testing. Allele origin: germline. Affected: yes.
Comment: This variant is considered likely benign or benign based on one or more of the following criteria: it is a conservative change, it occurs at a poorly conserved position in the protein, it is predicted to be benign by multiple in silico algorithms, and/or has population frequency not consistent with disease.